The following is an entry in ClinVar:

ClinVar aggregate classification (germline): Uncertain significance (1 of 4 stars; one submission).

Allele frequency attached by ClinVar (database versions not stated): gnomAD exomes below 0.00001; TOPMed below 0.00001; gnomAD 0.00001.
gnomAD v4.1: 3 of 1,613,596 alleles (0.00019%); highest among the groups gnomAD compares: Non-Finnish European, 0.00017%; no homozygotes.

Submission:

Labcorp Genetics (formerly Invitae), Labcorp
Classification: Uncertain significance. Last evaluated: 2022-05-31. Review status: criteria provided, single submitter. Criteria: Invitae Variant Classification Sherloc (09022015). Collection method: clinical testing. Allele origin: germline.
Comment: In summary, the available evidence is currently insufficient to determine the role of this variant in disease. Therefore, it has been classified as a Variant of Uncertain Significance. Experimental studies and prediction algorithms are not available or were not evaluated, and the functional significance of this variant is currently unknown. This variant has not been reported in the literature in individuals affected with TMPRSS15-related conditions. This variant is present in population databases (no rsID available, gnomAD 0.007%). This sequence change creates a premature translational stop signal (p.Trp1013*) in the TMPRSS15 gene. While this is not anticipated to result in nonsense mediated decay, it is expected to disrupt the last 7 amino acid(s) of the TMPRSS15 protein.

NM_002772.3(TMPRSS15):c.3038G>A (p.Trp1013Ter)

Gene: TMPRSS15 (transmembrane serine protease 15; minus strand). Cytogenetic location: 21q21.1.
Variant type: single nucleotide variant.
Coding change: c.3038G>A on transcript NM_002772.3 (MANE Select); coding-DNA position 3038, G replaced by A.
Protein change: p.Trp1013Ter; replaces tryptophan 1013 with a stop codon.
Molecular consequence: nonsense.
Genome position (GRCh38, 1-based): chr21:18,269,991, C>T on the plus strand (G>A on the coding strand, the complement: TMPRSS15 is on the minus strand). VCF-style: chr21-18269991-C-T. GRCh37 (hg19) VCF-style: chr21-19642308-C-T.
Other names: short protein forms W1013*.
Identifiers: ClinVar variation 2118032 (VCV002118032.3), dbSNP rs1463692022, ClinGen allele CA409846980.